The following is an entry in ClinVar:

ClinVar aggregate classification (germline): Uncertain significance. Review status: criteria provided, multiple submitters, no conflicts (2 of 4 stars). 5 submissions from 5 submitters: Uncertain significance (5). Last evaluated 2024-07-01.

Conditions:
Inborn genetic diseases. Identifiers: MedGen C0950123, MeSH D030342.
Bartter disease type 1. Also called: HYPERPROSTAGLANDIN E SYNDROME 1; HYPOKALEMIC ALKALOSIS WITH HYPERCALCIURIA 1, ANTENATAL; Bartter syndrome, type 1, antenatal; Bartter Syndrome type 1. Identifiers: Orphanet 112, Orphanet 620217, MedGen C1866495, MONDO:0100344, OMIM 601678, MONDO:0011127.

Allele frequency attached by ClinVar (database versions not stated): TOPMed 0.00005; gnomAD 0.00006; gnomAD exomes 0.00006 and 0.00020; ESP Exome Variant Server 0.00008; ExAC 0.00011.
gnomAD v4.1: 299 of 1,610,678 alleles (0.019%); highest among the groups gnomAD compares: Non-Finnish European, 0.025%; 2 homozygotes.

Submissions (5):

CeGaT Center for Human Genetics Tuebingen
Classification: Uncertain significance. Last evaluated: 2024-07-01. Review status: criteria provided, single submitter. Criteria: CeGaT Center For Human Genetics Tuebingen Variant Classification Criteria Version 2. Collection method: clinical testing. Allele origin: germline. Affected: yes. Observed: 1 variant allele.
Comment: SLC12A1: PM2, PP3

Fulgent Genetics
Classification: Uncertain significance for Bartter disease type 1. Last evaluated: 2024-03-08. Review status: criteria provided, single submitter. Criteria: ACMG Guidelines, 2015. Collection method: clinical testing. Allele origin: germline.

Labcorp Genetics (formerly Invitae), Labcorp
Classification: Uncertain significance. Last evaluated: 2022-04-09. Review status: criteria provided, single submitter. Criteria: Invitae Variant Classification Sherloc (09022015). Collection method: clinical testing. Allele origin: germline.
Comment: This sequence change replaces aspartic acid, which is acidic and polar, with glycine, which is neutral and non-polar, at codon 802 of the SLC12A1 protein (p.Asp802Gly). This variant is present in population databases (rs369637809, gnomAD 0.01%). This variant has not been reported in the literature in individuals affected with SLC12A1-related conditions. ClinVar contains an entry for this variant (Variation ID: 887520). Algorithms developed to predict the effect of missense changes on protein structure and function are either unavailable or do not agree on the potential impact of this missense change (SIFT: "Tolerated"; PolyPhen-2: "Probably Damaging"; Align-GVGD: "Class C0"). In summary, the available evidence is currently insufficient to determine the role of this variant in disease. Therefore, it has been classified as a Variant of Uncertain Significance.

Ambry Genetics
Classification: Uncertain significance for Inborn genetic diseases. Last evaluated: 2021-10-29. Review status: criteria provided, single submitter. Criteria: Ambry Variant Classification Scheme 2023. Collection method: clinical testing. Allele origin: germline.

Illumina Laboratory Services, Illumina
Classification: Uncertain significance for Bartter disease type 1. Last evaluated: 2018-01-12. Review status: criteria provided, single submitter. Criteria: ICSL Variant Classification Criteria 13 December 2019. Collection method: clinical testing. Allele origin: germline.

NM_000338.3(SLC12A1):c.2405A>G (p.Asp802Gly)

Gene: SLC12A1 (solute carrier family 12 member 1; plus strand). Cytogenetic location: 15q21.1.
Variant type: single nucleotide variant.
Coding change: c.2405A>G on transcript NM_000338.3 (MANE Select); coding-DNA position 2405, A replaced by G.
Protein change: p.Asp802Gly; replaces aspartic acid 802 with glycine.
Molecular consequence: missense variant.
Genome position (GRCh38, 1-based): chr15:48,274,573, A>G. VCF-style: chr15-48274573-A-G. GRCh37 (hg19) VCF-style: chr15-48566770-A-G.
Other names: c.2405A>G, p.Asp802Gly (NM_001184832.2); short protein forms D802G.
Identifiers: ClinVar variation 887520 (VCV000887520.25), dbSNP rs369637809, ClinGen allele CA7547396.